The following is an entry in ClinVar:

NM_001077365.2(POMT1):c.1792C>T (p.Arg598Ter)

Gene: POMT1 (protein O-mannosyltransferase 1; plus strand). Cytogenetic location: 9q34.13.
Variant type: single nucleotide variant.
Coding change: c.1792C>T on transcript NM_001077365.2 (MANE Select); coding-DNA position 1792, C replaced by T.
Protein change: p.Arg598Ter; replaces arginine 598 with a stop codon.
Molecular consequence: nonsense. On other transcripts: non-coding transcript variant (10).
Genome position (GRCh38, 1-based): chr9:131,521,439, C>T. VCF-style: chr9-131521439-C-T. GRCh37 (hg19) VCF-style: chr9-134396826-C-T.
Other names: c.1630C>T, p.Arg544Ter (NM_001077366.2, NM_001353194.2); c.1792C>T, p.Arg598Ter (NM_001136113.2); c.1441C>T, p.Arg481Ter (NM_001136114.2, NM_001353195.2, NM_001374691.1 and 2 more transcripts); c.1858C>T, p.Arg620Ter (NM_001353193.2, NM_007171.4); c.1702C>T, p.Arg568Ter (NM_001353196.2); c.1696C>T, p.Arg566Ter (NM_001353197.2, NM_001353198.2); c.1507C>T, p.Arg503Ter (NM_001353199.2); c.1336C>T, p.Arg446Ter (NM_001353200.2); and 3 more; short protein forms R620*, R446*, R544*, R503*, R566*, R568*, R598*, R481*.
Identifiers: ClinVar variation 419671 (VCV000419671.9), dbSNP rs761848742, ClinGen allele CA5293823.

ClinVar aggregate classification (germline): Pathogenic. Review status: criteria provided, multiple submitters, no conflicts (2 of 4 stars). 3 submissions from 3 submitters: Pathogenic (3). Last evaluated 2025-09-15.

Conditions:
Autosomal recessive limb-girdle muscular dystrophy type 2K. Also called: MUSCULAR DYSTROPHY, LIMB-GIRDLE, TYPE 2K; MUSCULAR DYSTROPHY-DYSTROGLYCANOPATHY (LIMB-GIRDLE), TYPE C, 1. Identifiers: Orphanet 86812, MedGen C1836373, MONDO:0012248, OMIM 609308.
Walker-Warburg congenital muscular dystrophy. Also called: Muscular dystrophy-dystroglycanopathy, type A; Walker-Warburg syndrome. Identifiers: Orphanet 899, MedGen C0265221, MONDO:0000171.
Muscular dystrophy-dystroglycanopathy (congenital with impaired intellectual development), type B, 1. Also called: Muscular dystrophy-dystroglycanopathy (congenital with intellectual disability), type B1; MUSCULAR DYSTROPHY, CONGENITAL, POMT1-RELATED. Identifiers: MedGen C5436962, MONDO:0013159, OMIM 613155.
Muscular dystrophy-dystroglycanopathy (congenital with brain and eye anomalies), type A1 (MDDGA1). Also called: WALKER-WARBURG SYNDROME OR MUSCLE-EYE-BRAIN DISEASE, POMT1-RELATED; Hydrocephalus, agyria and retinal dysplasia; Hard +/- E syndrome; Warburg syndrome; Chemke syndrome; Pagon syndrome. Identifiers: Orphanet 588, Orphanet 899, MedGen C4284790, MONDO:0009364, OMIM 236670.

Allele frequency attached by ClinVar (database versions not stated): gnomAD exomes below 0.00001; ExAC 0.00001; TOPMed 0.00002; gnomAD 0.00001.

Submissions (3):

Labcorp Genetics (formerly Invitae), Labcorp
Classification: Pathogenic for Muscular dystrophy-dystroglycanopathy (congenital with impaired intellectual development), type B, 1; Walker-Warburg congenital muscular dystrophy; Autosomal recessive limb-girdle muscular dystrophy type 2K. Last evaluated: 2025-09-15. Review status: criteria provided, single submitter. Criteria: Invitae Variant Classification Sherloc (09022015). Collection method: clinical testing. Allele origin: germline.
Comment: This sequence change creates a premature translational stop signal (p.Arg620*) in the POMT1 gene. It is expected to result in an absent or disrupted protein product. Loss-of-function variants in POMT1 are known to be pathogenic (PMID: 12369018, 15637732, 16575835). This variant is present in population databases (rs761848742, gnomAD 0.002%). This premature translational stop signal has been observed in individual(s) with POMT1-related conditions (PMID: 17559086, 22323514, 31311558). ClinVar contains an entry for this variant (Variation ID: 419671). For these reasons, this variant has been classified as Pathogenic.

Baylor Genetics
Classification: Pathogenic for Muscular dystrophy-dystroglycanopathy (congenital with brain and eye anomalies), type A1. Last evaluated: 2024-01-19. Review status: criteria provided, single submitter. Criteria: ACMG Guidelines, 2015. Collection method: clinical testing. Allele origin: unknown.

GeneDx
Classification: Pathogenic. Last evaluated: 2015-08-04. Review status: criteria provided, single submitter. Criteria: GeneDx Variant Classification (06012015). Collection method: clinical testing. Allele origin: germline. Affected: yes.
Comment: The R620X nonsense variant in the POMT1 gene has been reported previously in a fetus with type IIlissencephaly who harbored a second POMT1 variant on the other chromosome (Bouchet et al., 2007). Thisvariant is predicted to cause loss of normal protein function either through protein truncation or nonsense-mediated mRNA decay. R620X was not observed in approximately 6,500 individuals ofEuropean and African American ancestry in the NHLBI Exome Sequencing Project, indicating it is not acommon benign variant in these populations. Therefore, R620X is considered a pathogenic variant.

Literature cited by the submitters: PubMed 12369018 (cited by Labcorp Genetics (formerly Invitae), Labcorp); PubMed 15637732 (cited by Labcorp Genetics (formerly Invitae), Labcorp); PubMed 16575835 (cited by Labcorp Genetics (formerly Invitae), Labcorp); PubMed 17559086 (cited by Labcorp Genetics (formerly Invitae), Labcorp); PubMed 22323514 (cited by Labcorp Genetics (formerly Invitae), Labcorp); PubMed 31311558 (cited by Labcorp Genetics (formerly Invitae), Labcorp).